The following is an entry in ClinVar:

ClinVar aggregate classification (germline): Conflicting classifications of pathogenicity. Review status: criteria provided, conflicting classifications (1 of 4 stars). 4 submissions from 3 submitters: Uncertain significance (3); Likely benign (1). Last evaluated 2026-02-03.

Conditions:
Macrocephaly. Also called: Macrocephalus; large head. Identifiers: MedGen C2243051, HP:0000256.
Joint laxity. Identifiers: MedGen C0086437.
Generalized joint hypermobility. Also called: Generalized joint laxity. Identifiers: MedGen C1836308, HP:0002761.
Delayed speech and language development. Also called: Language delay. Identifiers: MedGen C0454644, HP:0000750.
Seizure. Also called: Seizures. Identifiers: MedGen C0036572, HP:0001250.
Intellectual developmental disorder, autosomal dominant 29. Also called: SETBP1 Haploinsufficiency Disorder; Intellectual disability, autosomal dominant 29. Identifiers: Orphanet 436151, MedGen C4015141, MONDO:0014482, OMIM 616078.
SETBP1-related disorder. Also called: SETBP1-related condition; SETBP1-related disorders.

Allele frequency attached by ClinVar (database versions not stated): TOPMed 0.00006; gnomAD 0.00004; ExAC 0.00006.
gnomAD v4.1: 60 of 1,614,040 alleles (0.0037%); highest among the groups gnomAD compares: Middle Eastern, 0.017%; no homozygotes.

Submissions (4):

Labcorp Genetics (formerly Invitae), Labcorp
Classification: Likely benign. Last evaluated: 2026-02-03. Review status: criteria provided, single submitter. Criteria: Invitae Variant Classification Sherloc (09022015). Collection method: clinical testing. Allele origin: germline.

PreventionGenetics, part of Exact Sciences
Classification: Uncertain significance for SETBP1-related condition. Last evaluated: 2025-07-08. Review status: criteria provided, single submitter. Criteria: ACMG Guidelines, 2015. Collection method: clinical testing. Allele origin: germline.
Comment: The SETBP1 c.4160C>T variant is predicted to result in the amino acid substitution p.Thr1387Met. To our knowledge, this variant has not been reported in the literature. This variant is reported in 0.015% of alleles in individuals of East Asian descent in gnomAD, which may be too common to be a primary cause of disease. Although we suspect that this variant may be benign, at this time, the clinical significance of this variant is uncertain due to the absence of conclusive functional and genetic evidence.

Centre for Mendelian Genomics, University Medical Centre Ljubljana
Classification: Uncertain significance for Delayed speech and language development; Generalized joint hypermobility; Joint hypermobility; Macrocephaly; Seizure. Last evaluated: 2017-01-01. Review status: criteria provided, single submitter. Criteria: ACMG Guidelines, 2015. Collection method: clinical testing. Allele origin: unknown. Affected: yes.

Centre for Mendelian Genomics, University Medical Centre Ljubljana
Classification: Uncertain significance for Intellectual developmental disorder, autosomal dominant 29. Last evaluated: 2016-01-01. Review status: criteria provided, single submitter. Criteria: ACMG Guidelines, 2015. Collection method: clinical testing. Allele origin: unknown. Affected: yes.
Comment: This variant was classified as: Uncertain significance.

NM_015559.3(SETBP1):c.4160C>T (p.Thr1387Met)

Gene: SETBP1 (SET binding protein 1; plus strand). Cytogenetic location: 18q12.3.
Variant type: single nucleotide variant.
Coding change: c.4160C>T on transcript NM_015559.3 (MANE Select); coding-DNA position 4160, C replaced by T.
Protein change: p.Thr1387Met; replaces threonine 1387 with methionine.
Molecular consequence: missense variant.
Genome position (GRCh38, 1-based): chr18:45,038,644, C>T. VCF-style: chr18-45038644-C-T. GRCh37 (hg19) VCF-style: chr18-42618609-C-T.
Other names: c.4160C>T, p.Thr1387Met (LRG_1150t1); short protein forms T1387M.
Identifiers: ClinVar variation 523514 (VCV000523514.13), dbSNP rs200881888, ClinGen allele CA8946090.
Genomic context (GRCh38, chr18:45,038,644, plus strand): 5'-TTGACAGTGTTACAATTCCACCAGCCCCAGTGTTATCTCTCCTTGCTGCATCTGCAGCAA[C>T]GTCGGATGCAGGTGAGCACTTTTCAGATGCTTTGGGTTCACCCCAAGCAAGATGAATGTG-3'
Protein context (NP_056374.2, residues 1377-1397): VLSLLAASAA[Thr1387Met]SDAVGSSLKK